The following is an entry in ClinVar:

NM_177438.3(DICER1):c.4457A>C (p.Lys1486Thr)

Gene: DICER1 (dicer 1, ribonuclease III; minus strand). Cytogenetic location: 14q32.13.
Variant type: single nucleotide variant.
Coding change: c.4457A>C on transcript NM_177438.3 (MANE Select); coding-DNA position 4457, A replaced by C.
Protein change: p.Lys1486Thr; replaces lysine 1486 with threonine.
Molecular consequence: missense variant. On other transcripts: non-coding transcript variant (6).
Genome position (GRCh38, 1-based): chr14:95,096,463, T>G on the plus strand (A>C on the coding strand, the complement: DICER1 is on the minus strand). VCF-style: chr14-95096463-T-G. GRCh37 (hg19) VCF-style: chr14-95562800-T-G.
Other names: c.4457A>C, p.Lys1486Thr (NM_001195573.1, NM_001271282.3, NM_001291628.2 and 13 more transcripts); c.4175A>C, p.Lys1392Thr (NM_001395686.1); c.4052A>C, p.Lys1351Thr (NM_001395687.1, NM_001395688.1, NM_001395689.1 and 2 more transcripts); c.3890A>C, p.Lys1297Thr (NM_001395691.1); c.2774A>C, p.Lys925Thr (NM_001395697.1); short protein forms K1297T, K1351T, K1392T, K1486T, K925T.
Identifiers: ClinVar variation 3229410 (VCV003229410.1), dbSNP rs2139850118, ClinGen allele CA390868353.
Genomic context (GRCh38, chr14:95,096,463, plus strand): 5'-CAAGAGCTGTAGTCAAAATCCTCAAAATCTGATGAAAATGGCATACTACCTAAGGAGGAT[T>G]TTTTGGGCATTTTCCATTCATATGCAGAATCAGTGGTTGAAAAAGGAGAAAGAGAGATTT-3'
Protein context (NP_803187.1, residues 1476-1496): DSAYEWKMPK[Lys1486Thr]SSLGSMPFSS

ClinVar aggregate classification (germline): Uncertain significance (1 of 4 stars; one submission).

Conditions:
Hereditary cancer-predisposing syndrome. Also called: Neoplastic Syndromes, Hereditary; Tumor predisposition; Hereditary neoplastic syndrome; Hereditary Cancer Syndrome. Identifiers: Orphanet 140162, MedGen C0027672, MeSH D009386, MONDO:0015356.

gnomAD v4.1: 1 of 1,614,176 alleles (0.000062%); no homozygotes.

Submission:

Ambry Genetics
Classification: Uncertain significance for Hereditary cancer-predisposing syndrome. Last evaluated: 2023-11-11. Review status: criteria provided, single submitter. Criteria: Ambry Variant Classification Scheme 2023. Collection method: clinical testing. Allele origin: germline.
Comment: The p.K1486T variant (also known as c.4457A>C), located in coding exon 22 of the DICER1 gene, results from an A to C substitution at nucleotide position 4457. The lysine at codon 1486 is replaced by threonine, an amino acid with similar properties. This amino acid position is conserved. In addition, the in silico prediction for this alteration is inconclusive. Since supporting evidence is limited at this time, the clinical significance of this alteration remains unclear.